The following is an entry in ClinVar:

ClinVar aggregate classification (germline): Uncertain significance (1 of 4 stars; one submission).

Conditions:
Atrial fibrillation, familial, 7 (ATFB7). Identifiers: MedGen C2677106, MONDO:0012828, OMIM 612240.

Submission:

Labcorp Genetics (formerly Invitae), Labcorp
Classification: Uncertain significance for Atrial fibrillation, familial, 7. Last evaluated: 2025-08-24. Review status: criteria provided, single submitter. Criteria: Invitae Variant Classification Sherloc (09022015). Collection method: clinical testing. Allele origin: germline.
Comment: This sequence change replaces aspartic acid, which is acidic and polar, with tyrosine, which is neutral and polar, at codon 148 of the KCNA5 protein (p.Asp148Tyr). This variant is not present in population databases (gnomAD no frequency). This variant has not been reported in the literature in individuals affected with KCNA5-related conditions. Invitae Evidence Modeling of protein sequence and biophysical properties (such as structural, functional, and spatial information, amino acid conservation, physicochemical variation, residue mobility, and thermodynamic stability) indicates that this missense variant is expected to disrupt KCNA5 protein function with a positive predictive value of 80%. In summary, the available evidence is currently insufficient to determine the role of this variant in disease. Therefore, it has been classified as a Variant of Uncertain Significance.

NM_002234.4(KCNA5):c.442G>T (p.Asp148Tyr)

Gene: KCNA5 (potassium voltage-gated channel subfamily A member 5; plus strand). Cytogenetic location: 12p13.32.
Variant type: single nucleotide variant.
Coding change: c.442G>T on transcript NM_002234.4 (MANE Select); coding-DNA position 442, G replaced by T.
Protein change: p.Asp148Tyr; replaces aspartic acid 148 with tyrosine.
Molecular consequence: missense variant.
Genome position (GRCh38, 1-based): chr12:5,044,589, G>T. VCF-style: chr12-5044589-G-T. GRCh37 (hg19) VCF-style: chr12-5153755-G-T.
Other names: short protein forms D148Y.
Identifiers: ClinVar variation 4698465 (VCV004698465.1).
Genomic context (GRCh38, chr12:5,044,589, plus strand): 5'-GGGCTGCGCTTTGAGACGCAGCTGGGCACCCTGGCGCAGTTCCCCAACACACTCCTGGGG[G>T]ACCCCGCCAAGCGCCTGCGCTACTTCGACCCCCTGAGGAACGAGTACTTCTTCGACCGCA-3'
Protein context (NP_002225.2, residues 138-158): LAQFPNTLLG[Asp148Tyr]PAKRLRYFDP